The following is an entry in ClinVar:

ClinVar aggregate classification (germline): Uncertain significance. Review status: criteria provided, multiple submitters, no conflicts (2 of 4 stars). 2 submissions from 2 submitters: Uncertain significance (2). Last evaluated 2025-09-25.

Conditions:
Hereditary cancer-predisposing syndrome. Also called: Hereditary Cancer Syndrome; Neoplastic Syndromes, Hereditary; Tumor predisposition; Hereditary neoplastic syndrome. Identifiers: Orphanet 140162, MedGen C0027672, MeSH D009386, MONDO:0015356.
Mitochondrial complex II deficiency, nuclear type 1. Also called: SUCCINATE CoQ REDUCTASE DEFICIENCY. Identifiers: Orphanet 3208, MedGen C5700310, MONDO:0100294, OMIM 252011.
Pheochromocytoma/paraganglioma syndrome 5. Also called: Paragangliomas 5; SDHA-Related Hereditary Paraganglioma-Pheochromocytoma Syndrome. Identifiers: Orphanet 29072, MedGen C3279992, MONDO:0013602, OMIM 614165.

gnomAD v4.1: 2 of 1,446,550 alleles (0.00014%); highest among the groups gnomAD compares: Non-Finnish European, 0.00018%; no homozygotes.

Submissions (2):

Ambry Genetics
Classification: Uncertain significance for Hereditary cancer-predisposing syndrome. Last evaluated: 2025-09-25. Review status: criteria provided, single submitter. Criteria: Ambry Variant Classification Scheme 2023. Collection method: clinical testing. Allele origin: germline.

Labcorp Genetics (formerly Invitae), Labcorp
Classification: Uncertain significance for Pheochromocytoma/paraganglioma syndrome 5; Mitochondrial complex II deficiency, nuclear type 1. Last evaluated: 2025-07-10. Review status: criteria provided, single submitter. Criteria: Invitae Variant Classification Sherloc (09022015). Collection method: clinical testing. Allele origin: germline.
Comment: This sequence change replaces arginine, which is basic and polar, with glycine, which is neutral and non-polar, at codon 14 of the SDHA protein (p.Arg14Gly). This variant is not present in population databases (gnomAD no frequency). This variant has not been reported in the literature in individuals affected with SDHA-related conditions. ClinVar contains an entry for this variant (Variation ID: 972232). Invitae Evidence Modeling of protein sequence and biophysical properties (such as structural, functional, and spatial information, amino acid conservation, physicochemical variation, residue mobility, and thermodynamic stability) indicates that this missense variant is not expected to disrupt SDHA protein function with a negative predictive value of 95%. In summary, the available evidence is currently insufficient to determine the role of this variant in disease. Therefore, it has been classified as a Variant of Uncertain Significance.

NM_004168.4(SDHA):c.40C>G (p.Arg14Gly)

Gene: SDHA (succinate dehydrogenase complex flavoprotein subunit A; plus strand). Cytogenetic location: 5p15.33.
Variant type: single nucleotide variant.
Coding change: c.40C>G on transcript NM_004168.4 (MANE Select); coding-DNA position 40, C replaced by G.
Protein change: p.Arg14Gly; replaces arginine 14 with glycine.
Molecular consequence: missense variant.
Genome position (GRCh38, 1-based): chr5:218,395, C>G. VCF-style: chr5-218395-C-G. GRCh37 (hg19) VCF-style: chr5-218510-C-G.
Other names: c.40C>G, p.Arg14Gly (NM_001294332.2, NM_001330758.2); short protein forms R14G.
Identifiers: ClinVar variation 972232 (VCV000972232.12), dbSNP rs1192077362, ClinGen allele CA359007364.